The following is an entry in ClinVar:

ClinVar aggregate classification (germline): Uncertain significance. Review status: criteria provided, multiple submitters, no conflicts (2 of 4 stars). 2 submissions from 2 submitters: Uncertain significance (2). Last evaluated 2024-05-07.

Conditions:
Inborn genetic diseases. Identifiers: MedGen C0950123, MeSH D030342.

Allele frequency attached by ClinVar (database versions not stated): gnomAD exomes below 0.00001; gnomAD 0.00001; TOPMed 0.00002.
gnomAD v4.1: 7 of 1,603,528 alleles (0.00044%); highest among the groups gnomAD compares: Admixed American, 0.0017%; no homozygotes.

Submissions (2):

Labcorp Genetics (formerly Invitae), Labcorp
Classification: Uncertain significance. Last evaluated: 2024-05-07. Review status: criteria provided, single submitter. Criteria: Invitae Variant Classification Sherloc (09022015). Collection method: clinical testing. Allele origin: germline.
Comment: This sequence change replaces valine, which is neutral and non-polar, with leucine, which is neutral and non-polar, at codon 271 of the PDE8B protein (p.Val271Leu). This variant is not present in population databases (gnomAD no frequency). This variant has not been reported in the literature in individuals affected with PDE8B-related conditions. An algorithm developed to predict the effect of missense changes on protein structure and function (PolyPhen-2) suggests that this variant is likely to be tolerated. In summary, the available evidence is currently insufficient to determine the role of this variant in disease. Therefore, it has been classified as a Variant of Uncertain Significance.

Ambry Genetics
Classification: Uncertain significance for Inborn genetic diseases. Last evaluated: 2024-01-02. Review status: criteria provided, single submitter. Criteria: Ambry Variant Classification Scheme 2023. Collection method: clinical testing. Allele origin: germline.

NM_003719.5(PDE8B):c.811G>C (p.Val271Leu)

Gene: PDE8B (phosphodiesterase 8B; plus strand). Cytogenetic location: 5q13.3.
Variant type: single nucleotide variant.
Coding change: c.811G>C on transcript NM_003719.5 (MANE Select); coding-DNA position 811, G replaced by C.
Protein change: p.Val271Leu; replaces valine 271 with leucine.
Molecular consequence: missense variant.
Genome position (GRCh38, 1-based): chr5:77,344,866, G>C. VCF-style: chr5-77344866-G-C. GRCh37 (hg19) VCF-style: chr5-76640691-G-C.
Other names: c.448G>C, p.Val150Leu (NM_001376066.1, NM_001376074.1); c.439G>C, p.Val147Leu (NM_001376067.1, NM_001376068.1, NM_001376075.1 and 3 more transcripts); c.568G>C, p.Val190Leu (NM_001376069.1); c.508G>C, p.Val170Leu (NM_001376070.1, NM_001376072.1, NM_001376073.1 and 1 more transcripts); c.505G>C, p.Val169Leu (NM_001376071.1, NM_001349752.3); c.811G>C, p.Val271Leu (NM_001029851.4, NM_001029852.4, NM_001029854.4 and 2 more transcripts); c.751G>C, p.Val251Leu (NM_001029853.4); c.808G>C, p.Val270Leu (NM_001349748.3, NM_001349751.3, NM_001376065.1); and 2 more; short protein forms V150L, V191L, V271L, V147L, V292L, V190L, V169L, V170L.
Identifiers: ClinVar variation 3210795 (VCV003210795.3), dbSNP rs1275999165, ClinGen allele CA360178611.